The following is an entry in ClinVar:

NM_018249.6(CDK5RAP2):c.1218G>A (p.Gln406=)

Gene: CDK5RAP2 (CDK5 regulatory subunit associated protein 2; minus strand). Cytogenetic location: 9q33.2.
Variant type: single nucleotide variant.
Coding change: c.1218G>A on transcript NM_018249.6 (MANE Select); coding-DNA position 1218, G replaced by A.
Protein change: p.Gln406=; no amino-acid change (glutamine 406 retained).
Molecular consequence: synonymous variant. On other transcripts: non-coding transcript variant (5).
Genome position (GRCh38, 1-based): chr9:120,518,520, C>T on the plus strand (G>A on the coding strand, the complement: CDK5RAP2 is on the minus strand). VCF-style: chr9-120518520-C-T. GRCh37 (hg19) VCF-style: chr9-123280798-C-T.
Other names: c.1218G>A, p.Gln406= (NM_001011649.3, NM_001272039.2).
Identifiers: ClinVar variation 288530 (VCV000288530.56), dbSNP rs61758368, ClinGen allele CA5214468.

ClinVar aggregate classification (germline): Conflicting classifications of pathogenicity. Review status: criteria provided, conflicting classifications (1 of 4 stars). 6 submissions from 6 submitters: Uncertain significance (2); Likely benign (4). Last evaluated 2026-07-01.

Conditions:
Microcephaly 3, primary, autosomal recessive. Identifiers: Orphanet 2512, MedGen C1858108, MONDO:0011488, OMIM 604804.

Allele frequency attached by ClinVar (database versions not stated): 1000 Genomes Project 30x 0.00031; 1000 Genomes Project 0.00040; TOPMed 0.00077; gnomAD 0.00085 and 0.00089; gnomAD exomes 0.00104 and 0.00125; ExAC 0.00124; ESP Exome Variant Server 0.00138.
gnomAD v4.1: 1,963 of 1,613,766 alleles (0.12%); highest among the groups gnomAD compares: Non-Finnish European, 0.15%; 1 homozygote.

Submissions (6):

CeGaT Center for Human Genetics Tuebingen
Classification: Likely benign. Last evaluated: 2026-07-01. Review status: criteria provided, single submitter. Criteria: CeGaT Center For Human Genetics Tuebingen Variant Classification Criteria Version 2. Collection method: clinical testing. Allele origin: germline. Affected: yes. Observed: 6 variant alleles.
Comment: CDK5RAP2: BP4

Labcorp Genetics (formerly Invitae), Labcorp
Classification: Likely benign. Last evaluated: 2026-01-27. Review status: criteria provided, single submitter. Criteria: Invitae Variant Classification Sherloc (09022015). Collection method: clinical testing. Allele origin: germline.

Blueprint Genetics
Classification: Likely benign. Last evaluated: 2024-10-10. Review status: criteria provided, single submitter. Criteria: ACMG Guidelines, 2015. Collection method: clinical testing. Allele origin: germline.

Illumina Laboratory Services, Illumina
Classification: Uncertain significance for Microcephaly 3, primary, autosomal recessive. Last evaluated: 2018-01-12. Review status: criteria provided, single submitter. Criteria: ICSL Variant Classification Criteria 13 December 2019. Collection method: clinical testing. Allele origin: germline.

GeneDx
Classification: Likely benign. Last evaluated: 2017-10-25. Review status: criteria provided, single submitter. Criteria: GeneDx Variant Classification (06012015). Collection method: clinical testing. Allele origin: germline. Affected: yes.
Comment: This variant is considered likely benign or benign based on one or more of the following criteria: it is a conservative change, it occurs at a poorly conserved position in the protein, it is predicted to be benign by multiple in silico algorithms, and/or has population frequency not consistent with disease.

Eurofins Ntd Llc (ga)
Classification: Uncertain significance. Last evaluated: 2016-07-01. Review status: criteria provided, single submitter. Criteria: EGL Classification Definitions 2015. Collection method: clinical testing. Allele origin: germline. Observed: 1 variant allele, 1 heterozygote.